The following is an entry in ClinVar:

NM_005591.4(MRE11):c.559G>A (p.Glu187Lys)

Gene: MRE11 (MRE11 double strand break repair nuclease; minus strand). Cytogenetic location: 11q21.
Variant type: single nucleotide variant.
Coding change: c.559G>A on transcript NM_005591.4 (MANE Select); coding-DNA position 559, G replaced by A.
Protein change: p.Glu187Lys; replaces glutamic acid 187 with lysine.
Molecular consequence: missense variant.
Genome position (GRCh38, 1-based): chr11:94,476,389, C>T on the plus strand (G>A on the coding strand, the complement: MRE11 is on the minus strand). VCF-style: chr11-94476389-C-T. GRCh37 (hg19) VCF-style: chr11-94209555-C-T.
Other names: c.559G>A, p.Glu187Lys (NM_001330347.2, NM_005590.4); short protein forms E187K.
Identifiers: ClinVar variation 1800263 (VCV001800263.2), dbSNP rs745641735, ClinGen allele CA6235358.

ClinVar aggregate classification (germline): Uncertain significance (1 of 4 stars; one submission).

Conditions:
Hereditary cancer-predisposing syndrome. Also called: Neoplastic Syndromes, Hereditary; Tumor predisposition; Hereditary Cancer Syndrome; Hereditary neoplastic syndrome. Identifiers: Orphanet 140162, MedGen C0027672, MeSH D009386, MONDO:0015356.

Allele frequency attached by ClinVar (database versions not stated): gnomAD exomes below 0.00001; ExAC 0.00001.
gnomAD v4.1: 1 of 1,607,198 alleles (0.000062%); highest among the groups gnomAD compares: Non-Finnish European, 0.000085%; no homozygotes.

Submission:

Ambry Genetics
Classification: Uncertain significance for Hereditary cancer-predisposing syndrome. Last evaluated: 2020-02-14. Review status: criteria provided, single submitter. Criteria: Ambry Variant Classification Scheme 2023. Collection method: clinical testing. Allele origin: germline.
Comment: The p.E187K variant (also known as c.559G>A), located in coding exon 6 of the MRE11A gene, results from a G to A substitution at nucleotide position 559. The glutamic acid at codon 187 is replaced by lysine, an amino acid with similar properties. This amino acid position is highly conserved in available vertebrate species. In addition, this alteration is predicted to be deleterious by in silico analysis. Since supporting evidence is limited at this time, the clinical significance of this alteration remains unclear.